The following is an entry in ClinVar:

ClinVar aggregate classification (germline): Uncertain significance (1 of 4 stars; one submission).

Conditions:
Epidermodysplasia verruciformis. Identifiers: Orphanet 302, MedGen C0014522, MONDO:0009176.

gnomAD v4.1: 2 of 1,611,422 alleles (0.00012%); highest among the groups gnomAD compares: Middle Eastern, 0.017%; no homozygotes.

Submission:

Labcorp Genetics (formerly Invitae), Labcorp
Classification: Uncertain significance for Epidermodysplasia verruciformis. Last evaluated: 2021-06-03. Review status: criteria provided, single submitter. Criteria: Invitae Variant Classification Sherloc (09022015). Collection method: clinical testing. Allele origin: germline.
Comment: This variant has not been reported in the literature in individuals with TMC8-related conditions. This variant is not present in population databases (ExAC no frequency). This sequence change replaces alanine with aspartic acid at codon 598 of the TMC8 protein (p.Ala598Asp). The alanine residue is moderately conserved and there is a moderate physicochemical difference between alanine and aspartic acid. Algorithms developed to predict the effect of missense changes on protein structure and function are either unavailable or do not agree on the potential impact of this missense change (SIFT: "Deleterious"; PolyPhen-2: "Probably Damaging"; Align-GVGD: "Class C0"). In summary, the available evidence is currently insufficient to determine the role of this variant in disease. Therefore, it has been classified as a Variant of Uncertain Significance.

NM_152468.5(TMC8):c.1793C>A (p.Ala598Asp)

Gene: TMC8 (transmembrane channel like 8; plus strand). Cytogenetic location: 17q25.3.
Variant type: single nucleotide variant.
Coding change: c.1793C>A on transcript NM_152468.5 (MANE Select); coding-DNA position 1793, C replaced by A.
Protein change: p.Ala598Asp; replaces alanine 598 with aspartic acid.
Molecular consequence: missense variant.
Genome position (GRCh38, 1-based): chr17:78,138,702, C>A. VCF-style: chr17-78138702-C-A. GRCh37 (hg19) VCF-style: chr17-76134783-C-A.
Other names: short protein forms A598D.
Identifiers: ClinVar variation 1416102 (VCV001416102.8), dbSNP rs137975524, ClinGen allele CA401252452.
Genomic context (GRCh38, chr17:78,138,702, plus strand): 5'-TGGTGGCCCTTGGGCTCCCGCCCATTGGCCAGCGTGCCCTCCACTACCTGGGCTCCCACG[C>A]CTTCAGCTTCCCCCTCCTCATCATGCTCAGGTTCTCAGGGCAGCCGGGGCCATGGGAGGG-3'
Protein context (NP_689681.2, residues 588-608): QRALHYLGSH[Ala598Asp]FSFPLLIMLS